The following is an entry in ClinVar:

NM_001190274.2(FBXO11):c.136C>T (p.Pro46Ser)

Genes: FBXO11 (F-box protein 11; minus strand), LOC100506235 (uncharacterized LOC100506235; plus strand). Cytogenetic location: 2p16.3.
Variant type: single nucleotide variant.
Coding change: c.136C>T on transcript NM_001190274.2 (MANE Select); coding-DNA position 136, C replaced by T.
Protein change: p.Pro46Ser; replaces proline 46 with serine.
Molecular consequence: missense variant. On other transcripts: non-coding transcript variant (1).
Genome position (GRCh38, 1-based): chr2:47,905,585, G>A on the plus strand (C>T on the coding strand, the complement: FBXO11 is on the minus strand). VCF-style: chr2-47905585-G-A. GRCh37 (hg19) VCF-style: chr2-48132724-G-A.
Other names: short protein forms P46S.
Identifiers: ClinVar variation 4988913 (VCV004988913.1).

ClinVar aggregate classification (germline): Uncertain significance (1 of 4 stars; one submission).

Conditions:
FBXO11-related disorder. Also called: FBXO11-related condition.

Submission:

PreventionGenetics, part of Exact Sciences
Classification: Uncertain significance for FBXO11-related condition. Last evaluated: 2026-05-31. Review status: criteria provided, single submitter. Criteria: ACMG Guidelines, 2015. Collection method: clinical testing. Allele origin: germline.
Comment: The FBXO11 c.136C>T variant is predicted to result in the amino acid substitution p.Pro46Ser. To our knowledge, this variant has not been reported in the literature or in a large population database (gnomAD), indicating this variant is rare. At this time, the clinical significance of this variant is uncertain due to the absence of conclusive functional and genetic evidence.